The following is an entry in ClinVar:

NM_000071.3(CBS):c.1145+1G>A

Gene: CBS (cystathionine beta-synthase; minus strand). Cytogenetic location: 21q22.3.
Variant type: single nucleotide variant.
Coding change: c.1145+1G>A on transcript NM_000071.3 (MANE Select); the canonical splice donor site of the intron after coding-DNA position 1145, G replaced by A.
Molecular consequence: splice donor variant.
Genome position (GRCh38, 1-based): chr21:43,060,440, C>T on the plus strand (G>A on the coding strand, the complement: CBS is on the minus strand). VCF-style: chr21-43060440-C-T. GRCh37 (hg19) VCF-style: chr21-44480550-C-T.
Other names: c.1145+1G>A (NM_001320298.2, NM_001178009.3, NM_001178008.3); c.830+1G>A (NM_001321072.1).
Identifiers: ClinVar variation 2680416 (VCV002680416.4), dbSNP rs2517411603, ClinGen allele CA410397929.

ClinVar aggregate classification (germline): Pathogenic/Likely pathogenic. Review status: criteria provided, multiple submitters, no conflicts (2 of 4 stars). 2 submissions from 2 submitters: Pathogenic (1); Likely pathogenic (1). Last evaluated 2023-02-08.

Conditions:
HYPERHOMOCYSTEINEMIA, THROMBOTIC, CBS-RELATED. Identifiers: MedGen C3150344, OMIM 236200.
Classic homocystinuria. Also called: Homocystinuria due to CBS deficiency; Cystathionine beta-synthase deficiency; CBS deficiency; HOMOCYSTINURIA WITH OR WITHOUT RESPONSE TO PYRIDOXINE; Homocystinuria due to Cystathionine Beta-Synthase Deficiency. Identifiers: Orphanet 394, MedGen C0751202, MONDO:0009352, OMIM 236200.

Submissions (2):

Labcorp Genetics (formerly Invitae), Labcorp
Classification: Likely pathogenic for HYPERHOMOCYSTEINEMIA, THROMBOTIC, CBS-RELATED. Last evaluated: 2023-02-08. Review status: criteria provided, single submitter. Criteria: Invitae Variant Classification Sherloc (09022015). Collection method: clinical testing. Allele origin: germline.
Comment: This variant is not present in population databases (gnomAD no frequency). This sequence change affects a donor splice site in intron 12 of the CBS gene. It is expected to disrupt RNA splicing. Variants that disrupt the donor or acceptor splice site typically lead to a loss of protein function (PMID: 16199547), and loss-of-function variants in CBS are known to be pathogenic (PMID: 10338090, 12124992). This variant has not been reported in the literature in individuals affected with CBS-related conditions. In summary, the currently available evidence indicates that the variant is pathogenic, but additional data are needed to prove that conclusively. Therefore, this variant has been classified as Likely Pathogenic. Algorithms developed to predict the effect of sequence changes on RNA splicing suggest that this variant may disrupt the consensus splice site.

Baylor Genetics
Classification: Pathogenic for Classic homocystinuria. Last evaluated: 2022-12-30. Review status: criteria provided, single submitter. Criteria: ACMG Guidelines, 2015. Collection method: clinical testing. Allele origin: unknown.

Literature cited by the submitters: PubMed 16199547 (cited by Labcorp Genetics (formerly Invitae), Labcorp); PubMed 10338090 (cited by Labcorp Genetics (formerly Invitae), Labcorp); PubMed 12124992 (cited by Labcorp Genetics (formerly Invitae), Labcorp).